The following is an entry in ClinVar:

NM_000051.4(ATM):c.48A>G (p.Glu16=)

Gene: ATM (ATM serine/threonine kinase; plus strand). Cytogenetic location: 11q22.3.
Variant type: single nucleotide variant.
Coding change: c.48A>G on transcript NM_000051.4 (MANE Select); coding-DNA position 48, A replaced by G.
Protein change: p.Glu16=; no amino-acid change (glutamic acid 16 retained).
Molecular consequence: synonymous variant.
Genome position (GRCh38, 1-based): chr11:108,227,672, A>G. VCF-style: chr11-108227672-A-G. GRCh37 (hg19) VCF-style: chr11-108098399-A-G.
Other names: c.48A>G (NM_000051.2); c.48A>G, p.Glu16= (NM_001351834.2, NM_001351835.2, NM_001351836.2).
Identifiers: ClinVar variation 407509 (VCV000407509.22), dbSNP rs774768437, ClinGen allele CA6264500.

ClinVar aggregate classification (germline): Benign/Likely benign. Review status: criteria provided, multiple submitters, no conflicts (2 of 4 stars). 7 submissions from 7 submitters: Benign (1); Likely benign (6). Last evaluated 2025-10-27.

Conditions:
Hereditary cancer-predisposing syndrome. Also called: Neoplastic Syndromes, Hereditary; Tumor predisposition; Hereditary Cancer Syndrome; Hereditary neoplastic syndrome. Identifiers: Orphanet 140162, MedGen C0027672, MeSH D009386, MONDO:0015356.
Familial cancer of breast. Also called: hereditary breast carcinoma; BREAST CANCER, FAMILIAL; Hereditary breast cancer. Identifiers: Orphanet 227535, MedGen C0346153, MONDO:0016419, OMIM 114480. Disease mechanism: loss of function.
Ataxia-telangiectasia syndrome (AT). Also called: LOUIS-BAR SYNDROME; Ataxia-telangiectasia, complementation group E; ATAXIA-TELANGIECTASIA, COMPLEMENTATION GROUP A; ATAXIA-TELANGIECTASIA, FRESNO VARIANT; Ataxia-telangiectasia; Ataxia telangiectasia (A-T). Identifiers: Orphanet 100, MedGen C0004135, MONDO:0008840, OMIM 208900.

Allele frequency attached by ClinVar (database versions not stated): TOPMed below 0.00001; gnomAD exomes 0.00001; ExAC 0.00002.
gnomAD v4.1: 6 of 1,613,870 alleles (0.00037%); highest among the groups gnomAD compares: Non-Finnish European, 0.00051%; no homozygotes.

Submissions (7):

Labcorp Genetics (formerly Invitae), Labcorp
Classification: Likely benign for Ataxia-telangiectasia syndrome. Last evaluated: 2025-10-27. Review status: criteria provided, single submitter. Criteria: Invitae Variant Classification Sherloc (09022015). Collection method: clinical testing. Allele origin: germline.

Center for Genomic Medicine, Rigshospitalet, Copenhagen University Hospital
Classification: Likely benign. Last evaluated: 2025-03-04. Review status: criteria provided, single submitter. Criteria: ACMG Guidelines, 2015. Collection method: clinical testing. Allele origin: germline.

Blueprint Genetics
Classification: Likely benign. Last evaluated: 2024-10-30. Review status: criteria provided, single submitter. Criteria: ACMG Guidelines, 2015. Collection method: clinical testing. Allele origin: germline.

Myriad Genetics, Inc.
Classification: Benign for Familial cancer of breast. Last evaluated: 2024-04-16. Review status: criteria provided, single submitter. Criteria: Myriad Autosomal Dominant, Autosomal Recessive and X-Linked Classification Criteria (2023). Collection method: clinical testing. Allele origin: unknown.
Comment: This variant is considered benign. This variant is a silent/synonymous amino acid change and it is not expected to impact splicing.

Department of Pathology and Laboratory Medicine, Sinai Health System
Classification: Likely benign for Familial cancer of breast. Last evaluated: 2023-04-25. Review status: criteria provided, single submitter. Criteria: ACMG Guidelines, 2015. Collection method: clinical testing. Allele origin: germline. Affected: yes.

Color Diagnostics, LLC DBA Color Health
Classification: Likely benign for Hereditary cancer-predisposing syndrome. Last evaluated: 2018-04-18. Review status: criteria provided, single submitter. Criteria: ACMG Guidelines, 2015. Collection method: clinical testing. Allele origin: germline.

Ambry Genetics
Classification: Likely benign for Hereditary cancer-predisposing syndrome. Last evaluated: 2017-06-02. Review status: criteria provided, single submitter. Criteria: Ambry Variant Classification Scheme 2023. Collection method: clinical testing. Allele origin: germline.